The following is an entry in ClinVar:

NM_001142800.2(EYS):c.3045T>G (p.His1015Gln)

Gene: EYS (eyes shut homolog; minus strand). Cytogenetic location: 6q12.
Variant type: single nucleotide variant.
Coding change: c.3045T>G on transcript NM_001142800.2 (MANE Select); coding-DNA position 3045, T replaced by G.
Protein change: p.His1015Gln; replaces histidine 1015 with glutamine.
Molecular consequence: missense variant.
Genome position (GRCh38, 1-based): chr6:64,822,770, A>C on the plus strand (T>G on the coding strand, the complement: EYS is on the minus strand). VCF-style: chr6-64822770-A-C. GRCh37 (hg19) VCF-style: chr6-65532663-A-C.
Other names: c.3045T>G, p.His1015Gln (NM_001292009.2); short protein forms H1015Q.
Identifiers: ClinVar variation 1988409 (VCV001988409.1), dbSNP rs1042883062, ClinGen allele CA364787881.

ClinVar aggregate classification (germline): Uncertain significance (1 of 4 stars; one submission).

gnomAD v4.1: 3 of 1,550,022 alleles (0.00019%); highest among the groups gnomAD compares: Admixed American, 0.0059%; no homozygotes.

Submission:

Labcorp Genetics (formerly Invitae), Labcorp
Classification: Uncertain significance. Last evaluated: 2022-02-04. Review status: criteria provided, single submitter. Criteria: Invitae Variant Classification Sherloc (09022015). Collection method: clinical testing. Allele origin: germline.
Comment: This sequence change replaces histidine, which is basic and polar, with glutamine, which is neutral and polar, at codon 1015 of the EYS protein (p.His1015Gln). This variant is present in population databases (no rsID available, gnomAD 0.008%). This variant has not been reported in the literature in individuals affected with EYS-related conditions. Algorithms developed to predict the effect of missense changes on protein structure and function output the following: SIFT: "Tolerated"; PolyPhen-2: "Benign"; Align-GVGD: "Class C0". The glutamine amino acid residue is found in multiple mammalian species, which suggests that this missense change does not adversely affect protein function. Algorithms developed to predict the effect of sequence changes on RNA splicing suggest that this variant may create or strengthen a splice site. In summary, the available evidence is currently insufficient to determine the role of this variant in disease. Therefore, it has been classified as a Variant of Uncertain Significance.